The following is an entry in ClinVar:

NM_002838.5(PTPRC):c.1625_1626dup (p.Asp543fs)

Gene: PTPRC (protein tyrosine phosphatase receptor type C; plus strand). Cytogenetic location: 1q32.1.
Variant type: Duplication.
Coding change: c.1625_1626dup on transcript NM_002838.5 (MANE Select); coding-DNA positions 1625 to 1626, 2 bases duplicated (AA; older notation c.1625_1626dupAA).
Protein change: p.Asp543fs; shifts the reading frame from aspartic acid 543.
Molecular consequence: frameshift variant.
Genome position (GRCh38, 1-based): chr1:198,718,268-198,718,269, AA duplicated; duplicating any 2 consecutive bases within chr1:198,718,266-198,718,269 gives the same sequence; the c. name uses the placement nearest the transcript's 3' end. VCF-style (leftmost placement, unchanged base first): chr1-198718265-T-TAA. GRCh37 (hg19) VCF-style: chr1-198687394-T-TAA.
Other names: c.1142_1143dup, p.Asp382fs (NM_080921.4); short protein forms D382fs, D543fs.
Identifiers: ClinVar variation 1420165 (VCV001420165.6), dbSNP rs2102445016, ClinGen allele CA2573131347.

ClinVar aggregate classification (germline): Pathogenic (1 of 4 stars; one submission).

Conditions:
Immunodeficiency 104. Also called: Severe Combined Immune Deficiency, Autosomal Recessive, TCell -Negative, B Cell-Positive, NK Cell-Positive, IL7R-Related; IMMUNODEFICIENCY 104, SEVERE COMBINED; SCID, AUTOSOMAL RECESSIVE, T CELL-NEGATIVE, B CELL-POSITIVE, NK CELL-POSITIVE; Severe combined immunodeficiency, autosomal recessive, T cell-negative, B cell-positive, NK cell-positive. Identifiers: MedGen C5676890, MONDO:0012163, OMIM 608971.

Submission:

Labcorp Genetics (formerly Invitae), Labcorp
Classification: Pathogenic for Immunodeficiency 104. Last evaluated: 2022-01-06. Review status: criteria provided, single submitter. Criteria: Invitae Variant Classification Sherloc (09022015). Collection method: clinical testing. Allele origin: germline.
Comment: For these reasons, this variant has been classified as Pathogenic. This variant has not been reported in the literature in individuals affected with PTPRC-related conditions. This variant is not present in population databases (gnomAD no frequency). This sequence change creates a premature translational stop signal (p.Asp543Lysfs*38) in the PTPRC gene. It is expected to result in an absent or disrupted protein product. Loss-of-function variants in PTPRC are known to be pathogenic (PMID: 10700239).

Literature cited by the submitters: PubMed 10700239.